The following is an entry in ClinVar:

ClinVar aggregate classification (germline): Uncertain significance (1 of 4 stars; one submission).

Allele frequency attached by ClinVar (database versions not stated): gnomAD exomes below 0.00001; TOPMed below 0.00001.
gnomAD v4.1: 2 of 1,611,634 alleles (0.00012%); highest among the groups gnomAD compares: African/African-American, 0.0027%; no homozygotes.

Submission:

Labcorp Genetics (formerly Invitae), Labcorp
Classification: Uncertain significance. Last evaluated: 2022-04-09. Review status: criteria provided, single submitter. Criteria: Invitae Variant Classification Sherloc (09022015). Collection method: clinical testing. Allele origin: germline.
Comment: This sequence change replaces alanine, which is neutral and non-polar, with glycine, which is neutral and non-polar, at codon 1162 of the SI protein (p.Ala1162Gly). This variant is not present in population databases (gnomAD no frequency). This variant has not been reported in the literature in individuals affected with SI-related conditions. Advanced modeling of protein sequence and biophysical properties (such as structural, functional, and spatial information, amino acid conservation, physicochemical variation, residue mobility, and thermodynamic stability) performed at Invitae indicates that this missense variant is expected to disrupt SI protein function. In summary, the available evidence is currently insufficient to determine the role of this variant in disease. Therefore, it has been classified as a Variant of Uncertain Significance.

NM_001041.4(SI):c.3485C>G (p.Ala1162Gly)

Gene: SI (sucrase-isomaltase; minus strand). Cytogenetic location: 3q26.1.
Variant type: single nucleotide variant.
Coding change: c.3485C>G on transcript NM_001041.4 (MANE Select); coding-DNA position 3485, C replaced by G.
Protein change: p.Ala1162Gly; replaces alanine 1162 with glycine.
Molecular consequence: missense variant.
Genome position (GRCh38, 1-based): chr3:165,018,005, G>C on the plus strand (C>G on the coding strand, the complement: SI is on the minus strand). VCF-style: chr3-165018005-G-C. GRCh37 (hg19) VCF-style: chr3-164735793-G-C.
Other names: short protein forms A1162G.
Identifiers: ClinVar variation 2053333 (VCV002053333.4), dbSNP rs1362517489, ClinGen allele CA355038672.